The following is an entry in ClinVar:

NM_052854.4(CREB3L1):c.1390C>T (p.Arg464Trp)

Gene: CREB3L1 (cAMP responsive element binding protein 3 like 1; plus strand). Cytogenetic location: 11p11.2.
Variant type: single nucleotide variant.
Coding change: c.1390C>T on transcript NM_052854.4 (MANE Select); coding-DNA position 1390, C replaced by T.
Protein change: p.Arg464Trp; replaces arginine 464 with tryptophan.
Molecular consequence: missense variant.
Genome position (GRCh38, 1-based): chr11:46,320,395, C>T. VCF-style: chr11-46320395-C-T. GRCh37 (hg19) VCF-style: chr11-46341946-C-T.
Other names: c.1390C>T (NM_052854.2); short protein forms R464W.
Identifiers: ClinVar variation 1517734 (VCV001517734.5), dbSNP rs35636632, ClinGen allele CA5961875.

ClinVar aggregate classification (germline): Uncertain significance. Review status: criteria provided, multiple submitters, no conflicts (2 of 4 stars). 2 submissions from 2 submitters: Uncertain significance (2). Last evaluated 2025-08-21.

Conditions:
Inborn genetic diseases. Identifiers: MedGen C0950123, MeSH D030342.

Allele frequency attached by ClinVar (database versions not stated): gnomAD exomes 0.00010; ExAC 0.00016; gnomAD 0.00019 and 0.00023; ESP Exome Variant Server 0.00024; TOPMed 0.00025; 1000 Genomes Project 0.00060; 1000 Genomes Project 30x 0.00062.
gnomAD v4.1: 101 of 1,610,864 alleles (0.0063%); highest among the groups gnomAD compares: African/African-American, 0.075%; no homozygotes.

Submissions (2):

Ambry Genetics
Classification: Uncertain significance for Inborn genetic diseases. Last evaluated: 2025-08-21. Review status: criteria provided, single submitter. Criteria: Ambry Variant Classification Scheme 2023. Collection method: clinical testing. Allele origin: germline.

Labcorp Genetics (formerly Invitae), Labcorp
Classification: Uncertain significance. Last evaluated: 2023-12-18. Review status: criteria provided, single submitter. Criteria: Invitae Variant Classification Sherloc (09022015). Collection method: clinical testing. Allele origin: germline.
Comment: This sequence change replaces arginine, which is basic and polar, with tryptophan, which is neutral and slightly polar, at codon 464 of the CREB3L1 protein (p.Arg464Trp). This variant is present in population databases (rs35636632, gnomAD 0.06%). This variant has not been reported in the literature in individuals affected with CREB3L1-related conditions. ClinVar contains an entry for this variant (Variation ID: 1517734). An algorithm developed to predict the effect of missense changes on protein structure and function (PolyPhen-2) suggests that this variant¬†is likely to be tolerated. In summary, the available evidence is currently insufficient to determine the role of this variant in disease. Therefore, it has been classified as a Variant of Uncertain Significance.